The following is an entry in ClinVar:

NM_003640.5(ELP1):c.3296A>T (p.Tyr1099Phe)

Gene: ELP1 (elongator acetyltransferase complex subunit 1; minus strand). Cytogenetic location: 9q31.3.
Variant type: single nucleotide variant.
Coding change: c.3296A>T on transcript NM_003640.5 (MANE Select); coding-DNA position 3296, A replaced by T.
Protein change: p.Tyr1099Phe; replaces tyrosine 1099 with phenylalanine.
Molecular consequence: missense variant.
Genome position (GRCh38, 1-based): chr9:108,881,755, T>A on the plus strand (A>T on the coding strand, the complement: ELP1 is on the minus strand). VCF-style: chr9-108881755-T-A. GRCh37 (hg19) VCF-style: chr9-111644035-T-A.
Other names: c.2954A>T, p.Tyr985Phe (NM_001318360.2); c.2249A>T, p.Tyr750Phe (NM_001330749.2); short protein forms Y1099F, Y750F, Y985F.
Identifiers: ClinVar variation 1404919 (VCV001404919.8), dbSNP rs1455391652, ClinGen allele CA374413280.

ClinVar aggregate classification (germline): Uncertain significance (1 of 4 stars; one submission).

Submission:

Labcorp Genetics (formerly Invitae), Labcorp
Classification: Uncertain significance. Last evaluated: 2021-07-09. Review status: criteria provided, single submitter. Criteria: Invitae Variant Classification Sherloc (09022015). Collection method: clinical testing. Allele origin: germline.
Comment: In summary, the available evidence is currently insufficient to determine the role of this variant in disease. Therefore, it has been classified as a Variant of Uncertain Significance. This sequence change replaces tyrosine with phenylalanine at codon 1099 of the ELP1 protein (p.Tyr1099Phe). The tyrosine residue is moderately conserved and there is a small physicochemical difference between tyrosine and phenylalanine. This variant is not present in population databases (ExAC no frequency). This variant has not been reported in the literature in individuals affected with ELP1-related conditions. Algorithms developed to predict the effect of missense changes on protein structure and function are either unavailable or do not agree on the potential impact of this missense change (SIFT: "Tolerated"; PolyPhen-2: "Probably Damaging"; Align-GVGD: "Class C0").